The following is an entry in ClinVar:

NM_006885.4(ZFHX3):c.6472C>T (p.Arg2158Ter)

Genes: ZFHX3-AS1 (ZFHX3 antisense RNA 1; plus strand), ZFHX3 (zinc finger homeobox 3; minus strand). Cytogenetic location: 16q22.2.
Variant type: single nucleotide variant.
Coding change: c.6472C>T on transcript NM_006885.4 (MANE Select); coding-DNA position 6472, C replaced by T.
Protein change: p.Arg2158Ter; replaces arginine 2158 with a stop codon.
Molecular consequence: nonsense.
Genome position (GRCh38, 1-based): chr16:72,796,210, G>A on the plus strand (C>T on the coding strand, the complement: ZFHX3 is on the minus strand). VCF-style: chr16-72796210-G-A. GRCh37 (hg19) VCF-style: chr16-72830109-G-A.
Other names: c.3730C>T, p.Arg1244Ter (NM_001164766.2); c.6472C>T, p.Arg2158Ter (NM_001386735.1); short protein forms R1244*, R2158*.
Identifiers: ClinVar variation 3774614 (VCV003774614.1).

ClinVar aggregate classification (germline): Pathogenic (1 of 4 stars; one submission).

Submission:

GeneDx
Classification: Pathogenic. Last evaluated: 2024-09-30. Review status: criteria provided, single submitter. Criteria: GeneDx Variant Classification Process June 2021. Collection method: clinical testing. Allele origin: germline. Affected: yes.
Comment: Identified de novo in one individual from a large cohort of patients with developmental disorders, but specific clinical information was not provided (PMID: 33057194); Nonsense variant predicted to result in protein truncation or nonsense mediated decay in a gene for which loss of function is a known mechanism of disease; Not observed at significant frequency in large population cohorts (gnomAD); This variant is associated with the following publications: (PMID: 35982159, 33057194)